The following is an entry in ClinVar:

NM_001387430.1(SH2B1):c.747G>A (p.Arg249=)

Gene: SH2B1 (SH2B adaptor protein 1; plus strand). Cytogenetic location: 16p11.2.
Variant type: single nucleotide variant.
Coding change: c.747G>A on transcript NM_001387430.1 (MANE Select); coding-DNA position 747, G replaced by A.
Protein change: p.Arg249=; no amino-acid change (arginine 249 retained).
Molecular consequence: synonymous variant. On other transcripts: intron variant (1).
Genome position (GRCh38, 1-based): chr16:28,866,841, G>A. VCF-style: chr16-28866841-G-A. GRCh37 (hg19) VCF-style: chr16-28878162-G-A.
Other names: c.747G>A, p.Arg249= (NM_001145795.2, NM_001145796.2, NM_001145797.2 and 4 more transcripts); c.-26-533G>A (NM_001308294.2).
Identifiers: ClinVar variation 4991408 (VCV004991408.1).

ClinVar aggregate classification (germline): Likely benign (1 of 4 stars; one submission).

Conditions:
SH2B1-related disorder. Also called: SH2B1-related condition.

Submission:

PreventionGenetics, part of Exact Sciences
Classification: Likely benign for SH2B1-related condition. Last evaluated: 2025-12-19. Review status: criteria provided, single submitter. Criteria: ACMG Guidelines, 2015. Collection method: clinical testing. Allele origin: germline.
Comment: This variant is classified as likely benign based on ACMG/AMP sequence variant interpretation guidelines (Richards et al. 2015 PMID: 25741868, with internal and published modifications).